The following is an entry in ClinVar:

NM_001042492.3(NF1):c.205-3_205-2del

Gene: NF1 (neurofibromin 1; plus strand). Cytogenetic location: 17q11.2.
Variant type: Deletion.
Coding change: c.205-3_205-2del on transcript NM_001042492.3 (MANE Select); 3 bases into the intron before coding-DNA position 205 through the canonical splice acceptor site of the intron before coding-DNA position 205, 2 bases deleted (TA; older notation c.205-3_205-2delTA).
Molecular consequence: splice acceptor variant.
Genome position (GRCh38, 1-based): chr17:31,159,007-31,159,008, TA deleted. VCF-style (leftmost placement, unchanged base first): chr17-31159006-TTA-T. GRCh37 (hg19) VCF-style: chr17-29486024-TTA-T.
Other names: c.205-3_205-2delTA (NM_000267.3); c.205-3_205-2del (NM_000267.4, NM_001128147.3).
Identifiers: ClinVar variation 1785101 (VCV001785101.2), dbSNP rs2544690255, ClinGen allele CA2580092848.

ClinVar aggregate classification (germline): Likely pathogenic (1 of 4 stars; one submission).

Conditions:
Hereditary cancer-predisposing syndrome. Also called: Neoplastic Syndromes, Hereditary; Tumor predisposition; Hereditary Cancer Syndrome; Hereditary neoplastic syndrome. Identifiers: Orphanet 140162, MedGen C0027672, MeSH D009386, MONDO:0015356.
Cardiovascular phenotype. Identifiers: MedGen CN230736.

Submission:

Ambry Genetics
Classification: Likely pathogenic for Cardiovascular phenotype; Hereditary cancer-predisposing syndrome. Last evaluated: 2021-01-28. Review status: criteria provided, single submitter. Criteria: Ambry Variant Classification Scheme 2023. Collection method: clinical testing. Allele origin: germline.
Comment: The c.205-3_205-2delTA intronic variant, located in intron 2 of the NF1 gene, results from a deletion of two nucleotides within intron 2 of the NF1 gene. Alterations that disrupt the canonical splice site are expected to result in aberrant splicing. In silico splice site analysis predicts that this alteration will weaken the native splice acceptor site. The resulting transcript is predicted to be in-frame and is not expected to trigger nonsense-mediated mRNAdecay; however, direct evidence is unavailable. The exact functional effect of the missing amino acids is unknown; however, the impacted region is critical for protein function (Ambry internal data). This variant was not reported in population-based cohorts in the Genome Aggregation Database (gnomAD). This nucleotide position is well conserved in available vertebrate species. Based on the majority of available evidence to date, this variant is likely to be pathogenic.